The following is an entry in ClinVar:

ClinVar aggregate classification (germline): Likely benign (1 of 4 stars; one submission).

Allele frequency attached by ClinVar (database versions not stated): gnomAD 0.00001; ExAC 0.00002; gnomAD exomes 0.00003; TOPMed 0.00003; ESP Exome Variant Server 0.00008.
gnomAD v4.1: 44 of 1,613,610 alleles (0.0027%); highest among the groups gnomAD compares: Non-Finnish European, 0.0036%; no homozygotes.

Submission:

CeGaT Center for Human Genetics Tuebingen
Classification: Likely benign. Last evaluated: 2022-03-01. Review status: criteria provided, single submitter. Criteria: CeGaT Center For Human Genetics Tuebingen Variant Classification Criteria Version 2. Collection method: clinical testing. Allele origin: germline. Affected: yes. Observed: 1 variant allele.
Comment: ASB16: BP4, BP7

NM_080863.5(ASB16):c.1161C>T (p.Leu387=)

Genes: ASB16 (ankyrin repeat and SOCS box containing 16; plus strand), ASB16-AS1 (ASB16 antisense RNA 1; minus strand). Cytogenetic location: 17q21.31.
Variant type: single nucleotide variant.
Coding change: c.1161C>T on transcript NM_080863.5 (MANE Select); coding-DNA position 1161, C replaced by T.
Protein change: p.Leu387=; no amino-acid change (leucine 387 retained).
Molecular consequence: synonymous variant. On other transcripts: non-coding transcript variant (1).
Genome position (GRCh38, 1-based): chr17:44,177,707, C>T. VCF-style: chr17-44177707-C-T. GRCh37 (hg19) VCF-style: chr17-42255075-C-T.
Identifiers: ClinVar variation 2647820 (VCV002647820.24), dbSNP rs376109929, ClinGen allele CA8598277.